The following is an entry in ClinVar:

ClinVar aggregate classification (germline): Conflicting classifications of pathogenicity. Review status: criteria provided, conflicting classifications (1 of 4 stars). 2 submissions from 2 submitters: Pathogenic (1); Uncertain significance (1). Last evaluated 2025-04-10.

Conditions:
Nephronophthisis 15 (NPHP15). Identifiers: Orphanet 3156, MedGen C3541853, MONDO:0013917, OMIM 614845.

Submissions (2):

Labcorp Genetics (formerly Invitae), Labcorp
Classification: Pathogenic for Nephronophthisis 15. Last evaluated: 2025-04-10. Review status: criteria provided, single submitter. Criteria: Invitae Variant Classification Sherloc (09022015). Collection method: clinical testing. Allele origin: germline.
Comment: This sequence change creates a premature translational stop signal (p.Ser833Glnfs*16) in the CEP164 gene. It is expected to result in an absent or disrupted protein product. Loss-of-function variants in CEP164 are known to be pathogenic (PMID: 22863007, 28125082, 32367404, 34132027, 34499853). This variant is not present in population databases (gnomAD no frequency). This variant has not been reported in the literature in individuals affected with CEP164-related conditions. For these reasons, this variant has been classified as Pathogenic.

Blueprint Genetics
Classification: Uncertain significance. Last evaluated: 2020-03-02. Review status: criteria provided, single submitter. Criteria: ACMG Guidelines, 2015. Collection method: clinical testing. Allele origin: germline.

Literature cited by the submitters: PubMed 22863007 (cited by Labcorp Genetics (formerly Invitae), Labcorp); PubMed 28125082 (cited by Labcorp Genetics (formerly Invitae), Labcorp); PubMed 32367404 (cited by Labcorp Genetics (formerly Invitae), Labcorp); PubMed 34132027 (cited by Labcorp Genetics (formerly Invitae), Labcorp); PubMed 34499853 (cited by Labcorp Genetics (formerly Invitae), Labcorp).

NM_014956.5(CEP164):c.2495dup (p.Ser833fs)

Gene: CEP164 (centrosomal protein 164; plus strand). Cytogenetic location: 11q23.3.
Variant type: Duplication.
Coding change: c.2495dup on transcript NM_014956.5 (MANE Select); coding-DNA position 2495, one base duplicated (T; older notation c.2495dupT).
Protein change: p.Ser833fs; shifts the reading frame from serine 833.
Molecular consequence: frameshift variant.
Genome position (GRCh38, 1-based): chr11:117,393,005, T duplicated. VCF-style (leftmost placement, unchanged base first): chr11-117393004-C-CT. GRCh37 (hg19) VCF-style: chr11-117263720-C-CT.
Other names: c.2504dup, p.Ser836fs (NM_001271933.2, NM_001440949.1); c.2495dup, p.Ser833fs (NM_001440950.1, NM_001440951.1, NM_001440953.1); c.2330dup, p.Ser778fs (NM_001440952.1, NM_001440968.1, NM_001440969.1); c.2417dup, p.Ser807fs (NM_001440954.1, NM_001440955.1, NM_001440958.1 and 1 more transcripts); c.2408dup, p.Ser804fs (NM_001440956.1, NM_001440957.1); c.2366dup, p.Ser790fs (NM_001440960.1); c.2357dup, p.Ser787fs (NM_001440961.1, NM_001440967.1); c.2348dup, p.Ser784fs (NM_001440962.1, NM_001440963.1, NM_001440964.1 and 4 more transcripts); and 7 more; short protein forms S708fs, S784fs, S787fs, S836fs, S778fs, S804fs, S714fs, S737fs.
Identifiers: ClinVar variation 4700812 (VCV004700812.2).